The following is an entry in ClinVar:

ClinVar aggregate classification (germline): Uncertain significance. Review status: criteria provided, multiple submitters, no conflicts (2 of 4 stars). 2 submissions from 2 submitters: Uncertain significance (2). Last evaluated 2025-04-01.

Conditions:
Hypomyelination and Congenital Cataract (HLD5). Also called: hypomyelinating leukodystrophy 5. Identifiers: Orphanet 85163, MedGen C1864663, MONDO:0012514, OMIM 610532.
Inborn genetic diseases. Identifiers: MedGen C0950123, MeSH D030342.

Allele frequency attached by ClinVar (database versions not stated): gnomAD exomes below 0.00001 and 0.00001; ExAC 0.00001; gnomAD 0.00002; TOPMed 0.00002; ESP Exome Variant Server 0.00008.
gnomAD v4.1: 11 of 1,576,510 alleles (0.0007%); highest among the groups gnomAD compares: Non-Finnish European, 0.00096%; no homozygotes.

Submissions (2):

Ambry Genetics
Classification: Uncertain significance for Inborn genetic diseases. Last evaluated: 2025-04-01. Review status: criteria provided, single submitter. Criteria: Ambry Variant Classification Scheme 2023. Collection method: clinical testing. Allele origin: germline.

Labcorp Genetics (formerly Invitae), Labcorp
Classification: Uncertain significance for Hypomyelination and Congenital Cataract. Last evaluated: 2022-07-05. Review status: criteria provided, single submitter. Criteria: Invitae Variant Classification Sherloc (09022015). Collection method: clinical testing. Allele origin: germline.
Comment: In summary, the available evidence is currently insufficient to determine the role of this variant in disease. Therefore, it has been classified as a Variant of Uncertain Significance. Algorithms developed to predict the effect of missense changes on protein structure and function are either unavailable or do not agree on the potential impact of this missense change (SIFT: "Deleterious"; PolyPhen-2: "Benign"; Align-GVGD: "Class C15"). ClinVar contains an entry for this variant (Variation ID: 1384727). This variant has not been reported in the literature in individuals affected with FAM126A-related conditions. This variant is present in population databases (rs377444390, gnomAD 0.002%). This sequence change replaces tyrosine, which is neutral and polar, with asparagine, which is neutral and polar, at codon 245 of the FAM126A protein (p.Tyr245Asn).

NM_032581.4(HYCC1):c.733T>A (p.Tyr245Asn)

Gene: HYCC1 (hyccin PI4KA lipid kinase complex subunit 1; minus strand). Cytogenetic location: 7p15.3.
Variant type: single nucleotide variant.
Coding change: c.733T>A on transcript NM_032581.4 (MANE Select); coding-DNA position 733, T replaced by A.
Protein change: p.Tyr245Asn; replaces tyrosine 245 with asparagine.
Molecular consequence: missense variant.
Genome position (GRCh38, 1-based): chr7:22,964,425, A>T on the plus strand (T>A on the coding strand, the complement: HYCC1 is on the minus strand). VCF-style: chr7-22964425-A-T. GRCh37 (hg19) VCF-style: chr7-23004044-A-T.
Other names: c.733T>A, p.Tyr245Asn (NM_001363466.2, NM_001363467.2); c.733T>A (NM_032581.3); short protein forms Y245N.
Identifiers: ClinVar variation 1384727 (VCV001384727.9), dbSNP rs377444390, ClinGen allele CA4185930.